The following is an entry in ClinVar:

NM_173628.4(DNAH17):c.10053G>A (p.Thr3351=)

Gene: DNAH17 (dynein axonemal heavy chain 17; minus strand). Cytogenetic location: 17q25.3.
Variant type: single nucleotide variant.
Coding change: c.10053G>A on transcript NM_173628.4 (MANE Select); coding-DNA position 10053, G replaced by A.
Protein change: p.Thr3351=; no amino-acid change (threonine 3351 retained).
Molecular consequence: synonymous variant.
Genome position (GRCh38, 1-based): chr17:78,455,761, C>T on the plus strand (G>A on the coding strand, the complement: DNAH17 is on the minus strand). VCF-style: chr17-78455761-C-T. GRCh37 (hg19) VCF-style: chr17-76451843-C-T.
Identifiers: ClinVar variation 710118 (VCV000710118.7), dbSNP rs140126348, ClinGen allele CA8801010.

ClinVar aggregate classification (germline): Benign. Review status: criteria provided, multiple submitters, no conflicts (2 of 4 stars). 3 submissions from 3 submitters: Benign (2). 1 of the submissions does not count toward it. Last evaluated 2019-12-31.

Conditions:
DNAH17-related disorder. Also called: DNAH17-related condition.

Allele frequency attached by ClinVar (database versions not stated): gnomAD exomes 0.00042 and 0.00105; ExAC 0.00164; 1000 Genomes Project 0.00280; 1000 Genomes Project 30x 0.00312; gnomAD 0.00420 and 0.00453; TOPMed 0.00478; ESP Exome Variant Server 0.00546.
gnomAD v4.1: 1,281 of 1,613,452 alleles (0.079%); highest among the groups gnomAD compares: African/African-American, 1.5%; 14 homozygotes.

Submissions (3):

Labcorp Genetics (formerly Invitae), Labcorp
Classification: Benign. Last evaluated: 2019-12-31. Review status: criteria provided, single submitter. Criteria: Invitae Variant Classification Sherloc (09022015). Collection method: clinical testing. Allele origin: germline.

Breakthrough Genomics
Classification: Benign. Review status: criteria provided, single submitter. Criteria: ACMG Guidelines, 2015. Collection method: not provided. Allele origin: germline. Inheritance: Autosomal recessive inheritance. Affected: yes.

PreventionGenetics, part of Exact Sciences
Classification: Benign for DNAH17-related condition. Last evaluated: 2019-09-10. Review status: no assertion criteria provided. Collection method: clinical testing. Allele origin: germline. Not counted in ClinVar's aggregate classification.
Comment: This variant is classified as benign based on ACMG/AMP sequence variant interpretation guidelines (Richards et al. 2015 PMID: 25741868, with internal and published modifications).